The following is an entry in ClinVar:

NM_002528.7(NTHL1):c.406G>T (p.Asp136Tyr)

Gene: NTHL1 (nth like DNA glycosylase 1; minus strand). Cytogenetic location: 16p13.3.
Variant type: single nucleotide variant.
Coding change: c.406G>T on transcript NM_002528.7 (MANE Select); coding-DNA position 406, G replaced by T.
Protein change: p.Asp136Tyr; replaces aspartic acid 136 with tyrosine.
Molecular consequence: missense variant. On other transcripts: intron variant (1).
Genome position (GRCh38, 1-based): chr16:2,044,749, C>A on the plus strand (G>T on the coding strand, the complement: NTHL1 is on the minus strand). VCF-style: chr16-2044749-C-A. GRCh37 (hg19) VCF-style: chr16-2094750-C-A.
Other names: c.76G>T, p.Asp26Tyr (NM_001318194.2); c.355-1023G>T (NM_001318193.2); short protein forms D136Y, D26Y.
Identifiers: ClinVar variation 2835119 (VCV002835119.3), dbSNP rs2150942441, ClinGen allele CA394294520.

ClinVar aggregate classification (germline): Uncertain significance (1 of 4 stars; one submission).

Submission:

Labcorp Genetics (formerly Invitae), Labcorp
Classification: Uncertain significance. Last evaluated: 2023-02-07. Review status: criteria provided, single submitter. Criteria: Invitae Variant Classification Sherloc (09022015). Collection method: clinical testing. Allele origin: germline.
Comment: This sequence change replaces aspartic acid, which is acidic and polar, with tyrosine, which is neutral and polar, at codon 144 of the NTHL1 protein (p.Asp144Tyr). In summary, the available evidence is currently insufficient to determine the role of this variant in disease. Therefore, it has been classified as a Variant of Uncertain Significance. RNA analysis performed to evaluate the impact of this missense change on mRNA splicing indicates it does not significantly alter splicing (Invitae). An algorithm developed to predict the effect of missense changes on protein structure and function (PolyPhen-2) suggests that this variant is likely to be disruptive. This variant has not been reported in the literature in individuals affected with NTHL1-related conditions. This variant is not present in population databases (gnomAD no frequency).